The following is an entry in ClinVar:

ClinVar aggregate classification (germline): Pathogenic (1 of 4 stars; one submission).

Conditions:
Ataxia-telangiectasia syndrome (AT). Also called: Ataxia-telangiectasia, complementation group D; AT, COMPLEMENTATION GROUP C; ATAXIA-TELANGIECTASIA, COMPLEMENTATION GROUP A; ATAXIA-TELANGIECTASIA, FRESNO VARIANT; Ataxia-telangiectasia; Ataxia-telangiectasia, complementation group E. Identifiers: Orphanet 100, MedGen C0004135, MONDO:0008840, OMIM 208900.

Submission:

Labcorp Genetics (formerly Invitae), Labcorp
Classification: Pathogenic for Ataxia-telangiectasia syndrome. Last evaluated: 2025-01-22. Review status: criteria provided, single submitter. Criteria: Invitae Variant Classification Sherloc (09022015). Collection method: clinical testing. Allele origin: germline.
Comment: This sequence change creates a premature translational stop signal (p.Leu2563*) in the ATM gene. It is expected to result in an absent or disrupted protein product. Loss-of-function variants in ATM are known to be pathogenic (PMID: 23807571, 25614872). Information on the frequency of this variant in the gnomAD database is not available, as this variant may be reported differently in the database. This variant has not been reported in the literature in individuals affected with ATM-related conditions. For these reasons, this variant has been classified as Pathogenic.

Literature cited by the submitters: PubMed 23807571; PubMed 25614872.

NM_000051.4(ATM):c.7688_7689delinsAG (p.Leu2563Ter)

Genes: ATM (ATM serine/threonine kinase; plus strand), C11orf65 (chromosome 11 open reading frame 65; minus strand). Cytogenetic location: 11q22.3.
Variant type: Indel.
Coding change: c.7688_7689delinsAG on transcript NM_000051.4 (MANE Select); coding-DNA positions 7688 to 7689, TA replaced by AG.
Protein change: p.Leu2563Ter; replaces leucine 2563 with a stop codon.
Molecular consequence: nonsense. On other transcripts: intron variant (2).
Genome position (GRCh38, 1-based): chr11:108,331,937-108,331,938, TA replaced by AG. VCF-style: chr11-108331937-TA-AG. GRCh37 (hg19) VCF-style: chr11-108202664-TA-AG.
Other names: c.7688_7689delinsAG, p.Leu2563Ter (NM_001351834.2); c.641-22867_641-22866delinsCT (NM_001330368.2); c.*38+3282_*38+3283delinsCT (NM_001351110.2); short protein forms L2563*.
Identifiers: ClinVar variation 3729387 (VCV003729387.2).